The following is an entry in ClinVar:

ClinVar aggregate classification (germline): Likely benign (0 of 4 stars; one submission).

Conditions:
NCOR2-related disorder. Also called: NCOR2-related condition.

Allele frequency attached by ClinVar (database versions not stated): gnomAD 0.00001; TOPMed 0.00002.
gnomAD v4.1: 21 of 1,532,154 alleles (0.0014%); highest among the groups gnomAD compares: Non-Finnish European, 0.0017%; no homozygotes.

Submission:

PreventionGenetics, part of Exact Sciences
Classification: Likely benign for NCOR2-related condition. Last evaluated: 2019-08-15. Review status: no assertion criteria provided. Collection method: clinical testing. Allele origin: germline.
Comment: This variant is classified as likely benign based on ACMG/AMP sequence variant interpretation guidelines (Richards et al. 2015 PMID: 25741868, with internal and published modifications).

NM_006312.6(NCOR2):c.723A>C (p.Ala241=)

Gene: NCOR2 (nuclear receptor corepressor 2; minus strand). Cytogenetic location: 12q24.31.
Variant type: single nucleotide variant.
Coding change: c.723A>C on transcript NM_006312.6 (MANE Select); coding-DNA position 723, A replaced by C.
Protein change: p.Ala241=; no amino-acid change (alanine 241 retained).
Molecular consequence: synonymous variant.
Genome position (GRCh38, 1-based): chr12:124,457,145, T>G on the plus strand (A>C on the coding strand, the complement: NCOR2 is on the minus strand). VCF-style: chr12-124457145-T-G. GRCh37 (hg19) VCF-style: chr12-124941691-T-G.
Other names: c.723A>C, p.Ala241= (NM_001077261.4, NM_001206654.2).
Identifiers: ClinVar variation 3053222 (VCV003053222.2), dbSNP rs992462302, ClinGen allele CA245248637.